The following is an entry in ClinVar:

ClinVar aggregate classification (germline): Uncertain significance (1 of 4 stars; one submission).

Submission:

GeneDx
Classification: Uncertain significance. Last evaluated: 2022-03-07. Review status: criteria provided, single submitter. Criteria: GeneDx Variant Classification Process June 2021. Collection method: clinical testing. Allele origin: germline. Affected: yes.
Comment: Not observed at significant frequency in large population cohorts (gnomAD); In silico analysis supports that this missense variant does not alter protein structure/function; Has not been previously published as pathogenic or benign to our knowledge

NM_020719.3(PRR12):c.317C>T (p.Ala106Val)

Gene: PRR12 (proline rich 12; plus strand). Cytogenetic location: 19q13.33.
Variant type: single nucleotide variant.
Coding change: c.317C>T on transcript NM_020719.3 (MANE Select); coding-DNA position 317, C replaced by T.
Protein change: p.Ala106Val; replaces alanine 106 with valine.
Molecular consequence: missense variant.
Genome position (GRCh38, 1-based): chr19:49,594,571, C>T. VCF-style: chr19-49594571-C-T. GRCh37 (hg19) VCF-style: chr19-50097828-C-T.
Other names: short protein forms A106V.
Identifiers: ClinVar variation 1704917 (VCV001704917.2), dbSNP rs2514269267, ClinGen allele CA406853488.